The following is an entry in ClinVar:

NM_006904.7(PRKDC):c.4455C>T (p.Ser1485=)

Gene: PRKDC (protein kinase, DNA-activated, catalytic subunit; minus strand). Cytogenetic location: 8q11.21.
Variant type: single nucleotide variant.
Coding change: c.4455C>T on transcript NM_006904.7 (MANE Select); coding-DNA position 4455, C replaced by T.
Protein change: p.Ser1485=; no amino-acid change (serine 1485 retained).
Molecular consequence: synonymous variant.
Genome position (GRCh38, 1-based): chr8:47,887,664, G>A on the plus strand (C>T on the coding strand, the complement: PRKDC is on the minus strand). VCF-style: chr8-47887664-G-A. GRCh37 (hg19) VCF-style: chr8-48800225-G-A.
Other names: c.4455C>T, p.Ser1485= (NM_001081640.2).
Identifiers: ClinVar variation 2658592 (VCV002658592.26), dbSNP rs906315600, ClinGen allele CA176151246.
Genomic context (GRCh38, chr8:47,887,664, plus strand): 5'-GAGGTCTAGAGAAGGCAGACACTGTCTCTCATCTCCAGGGGCAATGCCTTTATAAACCAG[G>A]GAAAGAAGTTCTGTGCCAACAGAATGATGCAAATCTGTGGACTAAAAGGAAGCCAACACT-3'
Protein context (NP_008835.5, residues 1475-1495): LHHSVGTELL[Ser1485=]LVYKGIAPGD

ClinVar aggregate classification (germline): Likely benign. Review status: criteria provided, multiple submitters, no conflicts (2 of 4 stars). 2 submissions from 2 submitters: Likely benign (2). Last evaluated 2025-01-30.

Conditions:
Severe combined immunodeficiency due to DNA-PKcs deficiency. Also called: IMMUNODEFICIENCY 26 WITH NEUROLOGIC ABNORMALITIES; Immunodeficiency 26 with or without neurologic abnormalities. Identifiers: Orphanet 317425, MedGen C4014833, MONDO:0014423, OMIM 615966.

Allele frequency attached by ClinVar (database versions not stated): TOPMed 0.00001.
gnomAD v4.1: 4 of 1,610,154 alleles (0.00025%); highest among the groups gnomAD compares: Non-Finnish European, 0.00034%; no homozygotes.

Submissions (2):

Labcorp Genetics (formerly Invitae), Labcorp
Classification: Likely benign for Severe combined immunodeficiency due to DNA-PKcs deficiency. Last evaluated: 2025-01-30. Review status: criteria provided, single submitter. Criteria: Invitae Variant Classification Sherloc (09022015). Collection method: clinical testing. Allele origin: germline.

CeGaT Center for Human Genetics Tuebingen
Classification: Likely benign. Last evaluated: 2023-03-01. Review status: criteria provided, single submitter. Criteria: CeGaT Center For Human Genetics Tuebingen Variant Classification Criteria Version 2. Collection method: clinical testing. Allele origin: germline. Affected: yes. Observed: 1 variant allele.
Comment: PRKDC: BP4, BP7